The following is an entry in ClinVar:

NM_022834.5(VWA1):c.283G>A (p.Glu95Lys)

Gene: VWA1 (von Willebrand factor A domain containing 1; plus strand). Cytogenetic location: 1p36.33.
Variant type: single nucleotide variant.
Coding change: c.283G>A on transcript NM_022834.5 (MANE Select); coding-DNA position 283, G replaced by A.
Protein change: p.Glu95Lys; replaces glutamic acid 95 with lysine.
Molecular consequence: missense variant. On other transcripts: intron variant (1).
Genome position (GRCh38, 1-based): chr1:1,437,136, G>A. VCF-style: chr1-1437136-G-A. GRCh37 (hg19) VCF-style: chr1-1372516-G-A.
Other names: c.74-186G>A (NM_199121.3); short protein forms E95K.
Identifiers: ClinVar variation 3250773 (VCV003250773.18), dbSNP rs145827379.
Genomic context (GRCh38, chr1:1,437,136, plus strand): 5'-CTGGTGCACGTGGGCAGTCGGCCATACACCGAGTTCCCCTTCGGCCAGCACAGCTCGGGT[G>A]AGGCTGCCCAGGATGCGGTGCGTGCTTCTGCCCAGCGCATGGGTGACACCCACACTGGCC-3'
Protein context (NP_073745.2, residues 85-105): EFPFGQHSSG[Glu95Lys]AAQDAVRASA

ClinVar aggregate classification (germline): Uncertain significance (1 of 4 stars; one submission).

Allele frequency attached by ClinVar (database versions not stated): ExAC 0.00012; TOPMed 0.00013; gnomAD 0.00016; gnomAD exomes 0.00018; ESP Exome Variant Server 0.00023.
gnomAD v4.1: 282 of 1,606,844 alleles (0.018%); highest among the groups gnomAD compares: Non-Finnish European, 0.023%; 1 homozygote.

Submission:

CeGaT Center for Human Genetics Tuebingen
Classification: Uncertain significance. Last evaluated: 2025-11-01. Review status: criteria provided, single submitter. Criteria: CeGaT Center For Human Genetics Tuebingen Variant Classification Criteria Version 2. Collection method: clinical testing. Allele origin: germline. Affected: yes. Observed: 2 variant alleles.
Comment: VWA1: PM2